The following is an entry in ClinVar:

ClinVar aggregate classification (germline): Uncertain significance (0 of 4 stars; one submission).

Conditions:
RYR1-related disorder. Also called: RYR1-related disorders; RYR1-related condition. Identifiers: MedGen CN239331.

gnomAD v4.1: 1 of 1,614,066 alleles (0.000062%); highest among the groups gnomAD compares: Non-Finnish European, 0.000085%; no homozygotes.

Submission:

PreventionGenetics, part of Exact Sciences
Classification: Uncertain significance for RYR1-related condition. Last evaluated: 2024-05-03. Review status: no assertion criteria provided. Collection method: clinical testing. Allele origin: germline.
Comment: The RYR1 c.14237T>C variant is predicted to result in the amino acid substitution p.Leu4746Pro. To our knowledge, this variant has not been reported in the literature or in a large population database, indicating this variant is rare. At this time, the clinical significance of this variant is uncertain due to the absence of conclusive functional and genetic evidence.

NM_000540.3(RYR1):c.14237T>C (p.Leu4746Pro)

Gene: RYR1 (ryanodine receptor 1; plus strand). Cytogenetic location: 19q13.2.
Variant type: single nucleotide variant.
Coding change: c.14237T>C on transcript NM_000540.3 (MANE Select); coding-DNA position 14237, T replaced by C.
Protein change: p.Leu4746Pro; replaces leucine 4746 with proline.
Molecular consequence: missense variant.
Genome position (GRCh38, 1-based): chr19:38,577,982, T>C. VCF-style: chr19-38577982-T-C. GRCh37 (hg19) VCF-style: chr19-39068622-T-C.
Other names: c.14222T>C, p.Leu4741Pro (NM_001042723.2); short protein forms L4741P, L4746P.
Identifiers: ClinVar variation 3345446 (VCV003345446.1).